The following is an entry in ClinVar:

ClinVar aggregate classification (germline): Uncertain significance (1 of 4 stars; one submission).

Allele frequency attached by ClinVar (database versions not stated): gnomAD 0.00004; gnomAD exomes 0.00004; ExAC 0.00005; TOPMed 0.00007.

Submissions (2):

Labcorp Genetics (formerly Invitae), Labcorp
Classification: Uncertain significance. Last evaluated: 2024-01-08. Review status: criteria provided, single submitter. Criteria: Invitae Variant Classification Sherloc (09022015). Collection method: clinical testing. Allele origin: germline.
Comment: This sequence change replaces glycine, which is neutral and non-polar, with arginine, which is basic and polar, at codon 392 of the VARS2 protein (p.Gly392Arg). This variant is present in population databases (rs756098228, gnomAD 0.007%). This variant has not been reported in the literature in individuals affected with VARS2-related conditions. ClinVar contains an entry for this variant (Variation ID: 1425097). Advanced modeling of protein sequence and biophysical properties (such as structural, functional, and spatial information, amino acid conservation, physicochemical variation, residue mobility, and thermodynamic stability) performed at Invitae indicates that this missense variant is expected to disrupt VARS2 protein function with a positive predictive value of 80%. In summary, the available evidence is currently insufficient to determine the role of this variant in disease. Therefore, it has been classified as a Variant of Uncertain Significance.

Dr. Peter K. Rogan Lab, Western University
No classification provided (evidence only). Condition: Gastric cancer. Review status: no classification provided. Collection method: in vitro. Allele origin: not applicable. Functional consequence: retained intron. Not counted in ClinVar's aggregate classification.

NM_020442.6(VARS2):c.1084G>A (p.Gly362Arg)

Gene: VARS2 (valyl-tRNA synthetase 2, mitochondrial; plus strand). Cytogenetic location: 6p21.33.
Variant type: single nucleotide variant.
Coding change: c.1084G>A on transcript NM_020442.6 (MANE Select); coding-DNA position 1084, G replaced by A.
Protein change: p.Gly362Arg; replaces glycine 362 with arginine.
Molecular consequence: missense variant.
Genome position (GRCh38, 1-based): chr6:30,919,767, G>A. VCF-style: chr6-30919767-G-A. GRCh37 (hg19) VCF-style: chr6-30887544-G-A.
Other names: c.664G>A, p.Gly222Arg (NM_001167733.3); c.1174G>A, p.Gly392Arg (NM_001167734.2); short protein forms G222R, G362R, G392R.
Identifiers: ClinVar variation 1425097 (VCV001425097.6), dbSNP rs756098228, ClinGen allele CA3705817.